The following is an entry in ClinVar:

ClinVar aggregate classification (germline): Likely pathogenic (1 of 4 stars; one submission).

gnomAD v4.1: 1 of 1,614,180 alleles (0.000062%); highest among the groups gnomAD compares: South Asian, 0.0011%; no homozygotes.

Submission:

CeGaT Center for Human Genetics Tuebingen
Classification: Likely pathogenic. Last evaluated: 2024-01-01. Review status: criteria provided, single submitter. Criteria: CeGaT Center For Human Genetics Tuebingen Variant Classification Criteria Version 2. Collection method: clinical testing. Allele origin: germline. Affected: yes. Observed: 1 variant allele.
Comment: PYGL: PM2, PP4:Moderate, PM3:Supporting, PP3

NM_002863.5(PYGL):c.2068A>T (p.Ile690Phe)

Gene: PYGL (glycogen phosphorylase L; minus strand). Cytogenetic location: 14q22.1.
Variant type: single nucleotide variant.
Coding change: c.2068A>T on transcript NM_002863.5 (MANE Select); coding-DNA position 2068, A replaced by T.
Protein change: p.Ile690Phe; replaces isoleucine 690 with phenylalanine.
Molecular consequence: missense variant.
Genome position (GRCh38, 1-based): chr14:50,910,004, T>A on the plus strand (A>T on the coding strand, the complement: PYGL is on the minus strand). VCF-style: chr14-50910004-T-A. GRCh37 (hg19) VCF-style: chr14-51376722-T-A.
Other names: c.1966A>T, p.Ile656Phe (NM_001163940.2); short protein forms I656F, I690F.
Identifiers: ClinVar variation 3027047 (VCV003027047.22), dbSNP rs767156606, ClinGen allele CA389682428.